The following is an entry in ClinVar:

NM_153614.4(DNAJB13):c.335-69_335-68insCGCG

Gene: DNAJB13 (DnaJ heat shock protein family (Hsp40) member B13; plus strand). Cytogenetic location: 11q13.4.
Variant type: Insertion.
Coding change: c.335-69_335-68insCGCG on transcript NM_153614.4 (MANE Select); 69 bases into the intron before coding-DNA position 335 through 68 bases into the intron before coding-DNA position 335, CGCG inserted.
Molecular consequence: intron variant.
Genome position: GRCh38 VCF-style: chr11-73964808-T-TGCGC. GRCh37 (hg19) VCF-style: chr11-73675853-T-TGCGC.
Other names: c.161-69_161-68insCGCG (NM_001377263.1).
Identifiers: ClinVar variation 3340976 (VCV003340976.1).
Genomic context (GRCh38, chr11:73,964,808, plus strand): 5'-ATATCTGGATAGGGAGGCTGTGTGTGTGTGTGTGTGTGTGTGTGTGTGTGTGTGTGTGTG[T>TGCGC]GTGTGCGCGCGCGCGCATGTCTGGGTCTCTGGATACAATTTCTCTTACTCCTCTCCCTAC-3'

ClinVar aggregate classification (germline): Likely benign (1 of 4 stars; one submission).

Submission:

GeneDx
Classification: Likely benign. Last evaluated: 2021-05-18. Review status: criteria provided, single submitter. Criteria: GeneDx Variant Classification Process June 2021. Collection method: clinical testing. Allele origin: germline. Affected: yes.
Comment: See Variant Classification Assertion Criteria.